The following is an entry in ClinVar:

NM_001244710.2(GFPT1):c.*3091A>C

Gene: GFPT1 (glutamine--fructose-6-phosphate transaminase 1; minus strand). Cytogenetic location: 2p13.3.
Variant type: single nucleotide variant.
Coding change: c.*3091A>C on transcript NM_001244710.2 (MANE Select); 3091 bases downstream of the stop codon, A replaced by C.
Molecular consequence: 3 prime UTR variant.
Genome position (GRCh38, 1-based): chr2:69,323,098, T>G on the plus strand (A>C on the coding strand, the complement: GFPT1 is on the minus strand). VCF-style: chr2-69323098-T-G. GRCh37 (hg19) VCF-style: chr2-69550230-T-G.
Other names: c.*3091A>C (NM_002056.4).
Identifiers: ClinVar variation 336821 (VCV000336821.6), dbSNP rs7582334, ClinGen allele CA10615990.
Genomic context (GRCh38, chr2:69,323,098, plus strand): 5'-GTATTAATAAACACTTGTTGACATAGTTATAATAAGCTAAAAATAGTTAACATTAATTTT[T>G]CTCTTTATCTTTTATTCTTATGGCACAGAATTTATTTTAAAAGACTGAAAAACTGATTCC-3'

ClinVar aggregate classification (germline): Benign. Review status: criteria provided, multiple submitters, no conflicts (2 of 4 stars). 2 submissions from 2 submitters: Benign (2). Last evaluated 2018-01-12.

Conditions:
Congenital myasthenic syndrome 12 (CMS12). Also called: MYASTHENIC SYNDROME, CONGENITAL, WITH TUBULAR AGGREGATES 1; Myasthenia, congenital, 12, with tubular aggregates. Identifiers: Orphanet 353327, Orphanet 590, MedGen C3552335, MONDO:0012518, OMIM 610542.

Allele frequency attached by ClinVar (database versions not stated): 1000 Genomes Project 0.64756; gnomAD 0.65184 and 0.65873; 1000 Genomes Project 30x 0.65412; TOPMed 0.65876.

Submissions (2):

Illumina Laboratory Services, Illumina
Classification: Benign for Congenital myasthenic syndrome 12. Last evaluated: 2018-01-12. Review status: criteria provided, single submitter. Criteria: ICSL Variant Classification Criteria 13 December 2019. Collection method: clinical testing. Allele origin: germline.
Comment: This variant was observed in the ICSL laboratory as part of a predisposition screen in an ostensibly healthy population. It had not been previously curated by ICSL or reported in the Human Gene Mutation Database (HGMD: prior to June 1st, 2018), and was therefore a candidate for classification through an automated scoring system. Utilizing variant allele frequency, disease prevalence and penetrance estimates, and inheritance mode, an automated score was calculated to assess if this variant is too frequent to cause the disease. Based on the score and internal cut-off values, a variant classified as benign is not then subjected to further curation. The score for this variant resulted in a classification of benign for this disease.

Breakthrough Genomics
Classification: Benign. Review status: criteria provided, single submitter. Criteria: ACMG Guidelines, 2015. Collection method: not provided. Allele origin: germline. Inheritance: Autosomal recessive inheritance. Affected: yes.